The following is an entry in ClinVar:

NM_018706.7(DHTKD1):c.1742_1756+29del

Gene: DHTKD1 (dehydrogenase E1 and transketolase domain containing 1; plus strand). Cytogenetic location: 10p14.
Variant type: Deletion.
Coding change: c.1742_1756+29del on transcript NM_018706.7 (MANE Select); coding-DNA position 1742 through 29 bases into the intron after coding-DNA position 1756, 44 bases deleted.
Molecular consequence: splice donor variant.
Genome position (GRCh38, 1-based): chr10:12,100,248-12,100,291, 44 bases deleted; deleting any 44 consecutive bases within chr10:12,100,246-12,100,291 gives the same sequence; the c. name uses the placement nearest the transcript's 3' end. GRCh37 (hg19): chr10:12,142,247-12,142,290.
Identifiers: ClinVar variation 4761567 (VCV004761567.1).

ClinVar aggregate classification (germline): Likely pathogenic (1 of 4 stars; one submission).

Conditions:
2-aminoadipic 2-oxoadipic aciduria (AAKAD). Also called: ALPHA-AMINOADIPIC AND ALPHA-KETOADIPIC ACIDURIA; Aminoadipic aciduria. Identifiers: Orphanet 79154, MedGen C1859817, MONDO:0008774, OMIM 204750.

Submission:

Labcorp Genetics (formerly Invitae), Labcorp
Classification: Likely pathogenic for 2-aminoadipic 2-oxoadipic aciduria. Last evaluated: 2025-09-22. Review status: criteria provided, single submitter. Criteria: Invitae Variant Classification Sherloc (09022015). Collection method: clinical testing. Allele origin: germline.
Comment: This variant results in the deletion of part of exon 9 (c.1742_1756+29del) of the DHTKD1 gene. It is expected to disrupt RNA splicing. Variants that disrupt the donor or acceptor splice site typically lead to a loss of protein function (PMID: 16199547), and loss-of-function variants in DHTKD1 are known to be pathogenic (PMID: 23141293, 25860818). This variant is present in population databases (no rsID available, gnomAD 0.005%). This variant has not been reported in the literature in individuals affected with DHTKD1-related conditions. In summary, the currently available evidence indicates that the variant is pathogenic, but additional data are needed to prove that conclusively. Therefore, this variant has been classified as Likely Pathogenic.

Literature cited by the submitters: PubMed 16199547; PubMed 23141293; PubMed 25860818.